The following is an entry in ClinVar:

ClinVar aggregate classification (germline): Conflicting classifications of pathogenicity. Review status: no assertion criteria provided (0 of 4 stars). 4 submissions from 4 submitters: Pathogenic (1); Uncertain significance (2). 1 of the submissions does not count toward it. Last evaluated 2016-01-06.

Conditions:
Spinal muscular atrophy, infantile, James type. Also called: GARS1 Infantile-Onset Spinal Muscular Atrophy (GARS1-iSMA). Identifiers: MedGen C5436669, MONDO:0033621, OMIM 619042.
Charcot-Marie-Tooth disease type 2D (CMT2D). Also called: Charcot-Marie-Tooth Neuropathy Type 2D; CHARCOT-MARIE-TOOTH DISEASE, AXONAL, TYPE 2D; CHARCOT-MARIE-TOOTH DISEASE, NEURONAL, TYPE 2D; GARS1 Adolescent- or Early Adult-Onset Hereditary Motor/Sensory Neuropathy (GARS1-HMSN). Identifiers: Orphanet 99938, MedGen C1832274, MONDO:0011091, OMIM 601472.
Neuronopathy, distal hereditary motor, autosomal dominant. Also called: Autosomal dominant distal hereditary motor neuropathy. Identifiers: Orphanet 140465, MedGen C5548212, MONDO:0015362.

Submissions (4):

Inherited Neuropathy Consortium Ii, University Of Miami
Classification: Uncertain significance for Charcot-Marie-Tooth disease type 2D. Last evaluated: 2016-01-06. Review status: no assertion criteria provided. Collection method: literature only. Allele origin: germline. Affected: yes.

OMIM
Classification: Pathogenic for SPINAL MUSCULAR ATROPHY, INFANTILE, JAMES TYPE. Last evaluated: 2014-11-01. Review status: no assertion criteria provided. Collection method: literature only. Allele origin: germline.

GeneReviews
No classification provided. Condition: Spinal muscular atrophy, infantile, James type. Review status: no classification provided. Collection method: literature only. Allele origin: germline. Not counted in ClinVar's aggregate classification.
Comment: GARS1-iSMA [James et al 2006, Eskuri et al 2012]

Inherited Neuropathy Consortium
Classification: Uncertain significance for Autosomal dominant distal hereditary motor neuropathy. Review status: no assertion criteria provided. Collection method: literature only. Allele origin: germline. Affected: yes.

Literature cited by the submitters: PubMed 17101916 (cited by 4 submitters); PubMed 22462675 (cited by OMIM and GeneReviews); PubMed 25168514 (cited by OMIM); PubMed 20301420 (cited by GeneReviews).

NM_002047.4(GARS1):c.1955G>C (p.Gly652Ala)

Gene: GARS1 (glycyl-tRNA synthetase 1; plus strand). Cytogenetic location: 7p14.3.
Variant type: single nucleotide variant.
Coding change: c.1955G>C on transcript NM_002047.4 (MANE Select); coding-DNA position 1955, G replaced by C.
Protein change: p.Gly652Ala; replaces glycine 652 with alanine.
Molecular consequence: missense variant.
Genome position (GRCh38, 1-based): chr7:30,632,298, G>C. VCF-style: chr7-30632298-G-C. GRCh37 (hg19) VCF-style: chr7-30671914-G-C.
Other names: c.1793G>C, p.Gly598Ala (NM_001316772.1); short protein forms G652A, G598A.
Identifiers: ClinVar variation 637543 (VCV000637543.8), dbSNP rs747080824, ClinGen allele CA367130471.